The following is an entry in ClinVar:

NM_019844.4(SLCO1B3):c.227-5dup

Genes: SLCO1B3 (solute carrier organic anion transporter family member 1B3; plus strand), SLCO1B3-SLCO1B7 (SLCO1B3-SLCO1B7 readthrough; plus strand). Cytogenetic location: 12p12.2.
Variant type: Duplication.
Coding change: c.227-5dup on transcript NM_019844.4 (MANE Select); 5 bases into the intron before coding-DNA position 227, one base duplicated (T; older notation c.227-5dupT).
Molecular consequence: intron variant.
Genome position (GRCh38, 1-based): chr12:20,858,434, T duplicated; the last of 8 consecutive T bases (chr12:20,858,427-20,858,434); duplicating any one gives the same sequence. VCF-style (leftmost placement, unchanged base first): chr12-20858426-G-GT. GRCh37 (hg19) VCF-style: chr12-21011360-G-GT.
Other names: c.143-5dup (NM_001349920.2); c.227-5dup (NM_001371097.1).
Identifiers: ClinVar variation 3352662 (VCV003352662.1).

ClinVar aggregate classification (germline): Likely benign (0 of 4 stars; one submission).

Conditions:
SLCO1B3-related disorder. Also called: SLCO1B3-related condition.

Submission:

PreventionGenetics, part of Exact Sciences
Classification: Likely benign for SLCO1B3-related condition. Last evaluated: 2024-07-13. Review status: no assertion criteria provided. Collection method: clinical testing. Allele origin: germline.
Comment: This variant is classified as likely benign based on ACMG/AMP sequence variant interpretation guidelines (Richards et al. 2015 PMID: 25741868, with internal and published modifications).